The following is an entry in ClinVar:

NM_000541.5(SAG):c.437C>A (p.Ser146Tyr)

Gene: SAG (S-antigen visual arrestin; plus strand). Cytogenetic location: 2q37.1.
Variant type: single nucleotide variant.
Coding change: c.437C>A on transcript NM_000541.5 (MANE Select); coding-DNA position 437, C replaced by A.
Protein change: p.Ser146Tyr; replaces serine 146 with tyrosine.
Molecular consequence: missense variant.
Genome position (GRCh38, 1-based): chr2:233,327,122, C>A. VCF-style: chr2-233327122-C-A. GRCh37 (hg19) VCF-style: chr2-234235768-C-A.
Other names: short protein forms S146Y.
Identifiers: ClinVar variation 2123667 (VCV002123667.6), dbSNP rs892677896, ClinGen allele CA351047111.

ClinVar aggregate classification (germline): Uncertain significance. Review status: criteria provided, multiple submitters, no conflicts (2 of 4 stars). 3 submissions from 3 submitters: Uncertain significance (3). Last evaluated 2024-10-29.

Conditions:
Retinal dystrophy. Also called: Inherited retinal dystrophy. Identifiers: Orphanet 71862, MedGen C0854723, MeSH D058499, MONDO:0019118, HP:0000556.

Submissions (3):

Labcorp Genetics (formerly Invitae), Labcorp
Classification: Uncertain significance. Last evaluated: 2024-10-29. Review status: criteria provided, single submitter. Criteria: Invitae Variant Classification Sherloc (09022015). Collection method: clinical testing. Allele origin: germline.
Comment: This sequence change replaces serine, which is neutral and polar, with tyrosine, which is neutral and polar, at codon 146 of the SAG protein (p.Ser146Tyr). This variant is not present in population databases (gnomAD no frequency). This variant has not been reported in the literature in individuals affected with SAG-related conditions. ClinVar contains an entry for this variant (Variation ID: 2123667). An algorithm developed to predict the effect of missense changes on protein structure and function (PolyPhen-2) suggests that this variant is likely to be disruptive. In summary, the available evidence is currently insufficient to determine the role of this variant in disease. Therefore, it has been classified as a Variant of Uncertain Significance.

Dept Of Ophthalmology, Nagoya University
Classification: Uncertain significance for Retinal dystrophy. Last evaluated: 2023-10-01. Review status: criteria provided, single submitter. Criteria: Submitter's publication. Collection method: research. Allele origin: germline. Affected: yes.

Blueprint Genetics
Classification: Uncertain significance. Last evaluated: 2021-12-14. Review status: criteria provided, single submitter. Criteria: ACMG Guidelines, 2015. Collection method: clinical testing. Allele origin: germline.